The following is an entry in ClinVar:

ClinVar aggregate classification (germline): Pathogenic/Likely pathogenic. Review status: criteria provided, multiple submitters, no conflicts (2 of 4 stars). 2 submissions from 2 submitters: Pathogenic (1); Likely pathogenic (1). Last evaluated 2023-08-16.

Conditions:
Inborn genetic diseases. Identifiers: MedGen C0950123, MeSH D030342.
Congenital heart defects, dysmorphic facial features, and intellectual developmental disorder (CHDFIDD). Identifiers: Orphanet 646278, MedGen C4479246, MONDO:0044302, OMIM 617360.

Submissions (2):

Ambry Genetics
Classification: Pathogenic for Inborn genetic diseases. Last evaluated: 2023-08-16. Review status: criteria provided, single submitter. Criteria: Ambry Variant Classification Scheme 2023. Collection method: clinical testing. Allele origin: germline.
Comment: The c.181delC (p.L61Wfs*80) alteration, located in exon 1 (coding exon 1) of the CDK13 gene, consists of a deletion of one nucleotide at position 181, causing a translational frameshift with a predicted alternate stop codon after 80 amino acids. This alteration is expected to result in loss of function by premature protein truncation or nonsense-mediated mRNA decay. This variant was not reported in population-based cohorts in the Genome Aggregation Database (gnomAD). This variant has been determined to be the result of a de novo mutation in one individual with features consistent with CDK13-related neurodevelopmental disorder (Lee, 2020). Based on the available evidence, this alteration is classified as pathogenic.

Undiagnosed Diseases Network, NIH
Classification: Likely pathogenic for Congenital heart defects, dysmorphic facial features, and intellectual developmental disorder. Last evaluated: 2019-03-07. Review status: criteria provided, single submitter. Criteria: ACMG Guidelines, 2015. Collection method: clinical testing. Allele origin: de novo. Inheritance: Autosomal dominant inheritance. Affected: yes. Observed: 1 variant allele, 1 heterozygote. Study: Undiagnosed Diseases Network (NIH), UDN.

Literature cited by the submitters: PubMed 31607746 (cited by Ambry Genetics).

NM_003718.5(CDK13):c.181del (p.Leu61fs)

Gene: CDK13 (cyclin dependent kinase 13; plus strand). Cytogenetic location: 7p14.1.
Variant type: Deletion.
Coding change: c.181del on transcript NM_003718.5 (MANE Select); coding-DNA position 181, one base deleted (C; older notation c.181delC).
Protein change: p.Leu61fs; shifts the reading frame from leucine 61.
Molecular consequence: frameshift variant.
Genome position (GRCh38, 1-based): chr7:39,950,822, C deleted; the last of 2 consecutive C bases (chr7:39,950,821-39,950,822); deleting either gives the same sequence. VCF-style (leftmost placement, unchanged base first): chr7-39950820-TC-T. GRCh37 (hg19) VCF-style: chr7-39990419-TC-T.
Other names: c.181delC, p.Leu61Trpfs (NM_031267.4); c.180delC (NM_003718.4); short protein forms L61fs.
Identifiers: ClinVar variation 521173 (VCV000521173.8), dbSNP rs1554317002, ClinGen allele CA658796923.